The following is an entry in ClinVar:

NM_000038.6(APC):c.835-9A>G

Gene: APC (APC regulator of Wnt signaling pathway; plus strand). Cytogenetic location: 5q22.2.
Variant type: single nucleotide variant.
Coding change: c.835-9A>G on transcript NM_000038.6 (MANE Select); 9 bases into the intron before coding-DNA position 835, A replaced by G.
Molecular consequence: intron variant.
Genome position (GRCh38, 1-based): chr5:112,815,486, A>G. VCF-style: chr5-112815486-A-G. GRCh37 (hg19) VCF-style: chr5-112151183-A-G.
Other names: c.-15-9A>G (NM_001407470.1, NM_001407472.1, NM_001354906.2 and 1 more transcripts); c.835-9A>G (NM_001407447.1, NM_001354895.2, NM_001407456.1 and 12 more transcripts); c.751-9A>G (NM_001407452.1, NM_001407469.1, NM_001354899.2 and 1 more transcripts); c.865-9A>G (NM_001407446.1, NM_001354897.2, NM_001354902.2); c.781-9A>G (NM_001127511.3); c.658-9A>G (NM_001407453.1, NM_001354900.2, NM_001354901.2 and 1 more transcripts); c.760-9A>G (NM_001407451.1, NM_001354898.2, NM_001354904.2).
Identifiers: ClinVar variation 2770053 (VCV002770053.4), dbSNP rs2149762168, ClinGen allele CA2697546394.
Genomic context (GRCh38, chr5:112,815,486, plus strand): 5'-CTTAACATGATGTTATCTGTATTTACCTATAGTCTAAATTATACCATCTATAATGTGCTT[A>G]ATTTTTAGGGTTCAACTACACGAATGGACCATGAAACAGCCAGTGTTTTGAGTTCTAGTA-3'

ClinVar aggregate classification (germline): Likely benign. Review status: criteria provided, multiple submitters, no conflicts (2 of 4 stars). 2 submissions from 2 submitters: Likely benign (2). Last evaluated 2024-02-27.

Conditions:
Familial adenomatous polyposis 1 (FAP1). Also called: POLYPOSIS, ADENOMATOUS INTESTINAL; FAMILIAL ADENOMATOUS POLYPOSIS 1, ATTENUATED. Identifiers: MedGen C2713442, MONDO:0021056, OMIM 175100. Disease mechanism: loss of function.

Submissions (2):

Myriad Genetics, Inc.
Classification: Likely benign for Familial adenomatous polyposis 1. Last evaluated: 2024-02-27. Review status: criteria provided, single submitter. Criteria: Myriad Autosomal Dominant, Autosomal Recessive and X-Linked Classification Criteria (2023). Collection method: clinical testing. Allele origin: unknown.
Comment: This variant is considered likely benign. This variant is intronic and is not expected to impact mRNA splicing.

Labcorp Genetics (formerly Invitae), Labcorp
Classification: Likely benign for Familial adenomatous polyposis 1. Last evaluated: 2023-10-19. Review status: criteria provided, single submitter. Criteria: Invitae Variant Classification Sherloc (09022015). Collection method: clinical testing. Allele origin: germline.